The following is an entry in ClinVar:

NM_002691.4(POLD1):c.1233G>C (p.Gln411His)

Gene: POLD1 (DNA polymerase delta 1, catalytic subunit; plus strand). Cytogenetic location: 19q13.33.
Variant type: single nucleotide variant.
Coding change: c.1233G>C on transcript NM_002691.4 (MANE Select); coding-DNA position 1233, G replaced by C.
Protein change: p.Gln411His; replaces glutamine 411 with histidine.
Molecular consequence: missense variant. On other transcripts: non-coding transcript variant (1).
Genome position (GRCh38, 1-based): chr19:50,403,588, G>C. VCF-style: chr19-50403588-G-C. GRCh37 (hg19) VCF-style: chr19-50906845-G-C.
Other names: c.1233G>C, p.Gln411His (NM_001256849.1, NM_001308632.1); short protein forms Q411H.
Identifiers: ClinVar variation 537046 (VCV000537046.19), dbSNP rs771349646, ClinGen allele CA9596066.

ClinVar aggregate classification (germline): Conflicting classifications of pathogenicity. Review status: criteria provided, conflicting classifications (1 of 4 stars). 5 submissions from 5 submitters: Uncertain significance (4); Likely benign (1). Last evaluated 2026-01-22.

Conditions:
Hereditary cancer-predisposing syndrome. Also called: Tumor predisposition; Neoplastic Syndromes, Hereditary; Hereditary Cancer Syndrome; Hereditary neoplastic syndrome. Identifiers: Orphanet 140162, MedGen C0027672, MeSH D009386, MONDO:0015356.
POLD1-related polyposis and colorectal cancer syndrome (CRCS10). Also called: Colorectal cancer 10; COLORECTAL CANCER, SUSCEPTIBILITY TO, ON CHROMOSOME 19q; Colorectal cancer, susceptibility to, 10. Identifiers: Orphanet 220460, MedGen C2675481, MONDO:0012953, OMIM 612591.

Allele frequency attached by ClinVar (database versions not stated): ExAC 0.00001; gnomAD exomes 0.00001; TOPMed 0.00003; gnomAD 0.00004.

Submissions (5):

Labcorp Genetics (formerly Invitae), Labcorp
Classification: Uncertain significance for POLD1-related polyposis and colorectal cancer syndrome. Last evaluated: 2026-01-22. Review status: criteria provided, single submitter. Criteria: Invitae Variant Classification Sherloc (09022015). Collection method: clinical testing. Allele origin: germline.
Comment: This sequence change replaces glutamine, which is neutral and polar, with histidine, which is basic and polar, at codon 411 of the POLD1 protein (p.Gln411His). This variant is present in population databases (rs771349646, gnomAD 0.004%). This missense change has been observed in individual(s) with colorectal cancer (PMID: 29212164). ClinVar contains an entry for this variant (Variation ID: 537046). Invitae Evidence Modeling of protein sequence and biophysical properties (such as structural, functional, and spatial information, amino acid conservation, physicochemical variation, residue mobility, and thermodynamic stability) indicates that this missense variant is not expected to disrupt POLD1 protein function with a negative predictive value of 80%. In summary, the available evidence is currently insufficient to determine the role of this variant in disease. Therefore, it has been classified as a Variant of Uncertain Significance.

GeneDx
Classification: Uncertain significance. Last evaluated: 2025-04-18. Review status: criteria provided, single submitter. Criteria: GeneDx Variant Classification Process June 2021. Collection method: clinical testing. Allele origin: germline. Affected: yes.
Comment: Not observed at significant frequency in large population cohorts (gnomAD); In silico analysis indicates that this missense variant does not alter protein structure/function; Observed in an individual with a personal and family history of colorectal cancer as well as a personal history of melanoma (PMID: 29212164); This variant is associated with the following publications: (PMID: 29056344, 29212164, 20951805)

Ambry Genetics
Classification: Likely benign for Hereditary cancer-predisposing syndrome. Last evaluated: 2024-04-16. Review status: criteria provided, single submitter. Criteria: Ambry Variant Classification Scheme 2023. Collection method: clinical testing. Allele origin: germline.

Baylor Genetics
Classification: Uncertain significance for POLD1-related polyposis and colorectal cancer syndrome. Last evaluated: 2023-09-11. Review status: criteria provided, single submitter. Criteria: ACMG Guidelines, 2015. Collection method: clinical testing. Allele origin: unknown.

Quest Diagnostics Nichols Institute San Juan Capistrano
Classification: Uncertain significance. Last evaluated: 2021-01-20. Review status: criteria provided, single submitter. Criteria: Quest Diagnostics criteria. Collection method: clinical testing. Allele origin: unknown.

Literature cited by the submitters: PubMed 29212164 (cited by 3 submitters).